The following is an entry in ClinVar:

NC_000013.10:g.(?_73333933)_(73590057_?)del

Genes: DIS3 (DIS3 homolog, exosome endoribonuclease and 3'-5' exoribonuclease; minus strand), PIBF1 (progesterone immunomodulatory binding factor 1; plus strand). Cytogenetic location: 13q22.1.
Variant type: Deletion.
Identifiers: ClinVar variation 2425574 (VCV002425574.3).

ClinVar aggregate classification (germline): Uncertain significance (1 of 4 stars; one submission).

Submission:

Labcorp Genetics (formerly Invitae), Labcorp
Classification: Uncertain significance. Last evaluated: 2022-03-16. Review status: criteria provided, single submitter. Criteria: Invitae Variant Classification Sherloc (09022015). Collection method: clinical testing. Allele origin: germline.
Comment: In summary, the available evidence is currently insufficient to determine the role of this variant in disease. Therefore, it has been classified as a Variant of Uncertain Significance. This variant has not been reported in the literature in individuals affected with PIBF1-related conditions. A gross deletion of the genomic region encompassing the full coding sequence of the PIBF1 gene has been identified. The current clinical and genetic evidence is not sufficient to establish whether loss-of-function variants in PIBF1 cause disease. The boundaries of this event are unknown as they extend beyond the assayed region for this gene and therefore may encompass additional genes.